The following is an entry in ClinVar:

NM_201384.3(PLEC):c.602+5A>G

Gene: PLEC (plectin; minus strand). Cytogenetic location: 8q24.3.
Variant type: single nucleotide variant.
Coding change: c.602+5A>G on transcript NM_201384.3 (MANE Select); 5 bases into the intron after coding-DNA position 602, A replaced by G.
Molecular consequence: intron variant.
Genome position (GRCh38, 1-based): chr8:143,935,843, T>C on the plus strand (A>G on the coding strand, the complement: PLEC is on the minus strand). VCF-style: chr8-143935843-T-C. GRCh37 (hg19) VCF-style: chr8-145010011-T-C.
Other names: c.683+5A>G (NM_000445.5); c.560+5A>G (NM_201378.4); c.536+5A>G (NM_201379.3); c.1013+5A>G (NM_201380.4); c.506+5A>G (NM_201381.3); c.602+5A>G (NM_201382.4); c.614+5A>G (NM_201383.3).
Identifiers: ClinVar variation 499688 (VCV000499688.19), dbSNP rs200744982, ClinGen allele CA4928395.

ClinVar aggregate classification (germline): Likely benign. Review status: criteria provided, multiple submitters, no conflicts (2 of 4 stars). 5 submissions from 5 submitters: Likely benign (5). Last evaluated 2026-01-13.

Conditions:
Epidermolysis bullosa simplex 5B, with muscular dystrophy (EBS5B). Also called: EPIDERMOLYSIS BULLOSA SIMPLEX AND LIMB-GIRDLE MUSCULAR DYSTROPHY; Epidermolysis bullosa simplex with muscular dystrophy. Identifiers: Orphanet 257, MedGen C2931072, MONDO:0009181, OMIM 226670.
Autosomal recessive limb-girdle muscular dystrophy type 2Q (LGMDR17). Also called: MUSCULAR DYSTROPHY, LIMB-GIRDLE, AUTOSOMAL RECESSIVE 17. Identifiers: Orphanet 254361, MedGen C3150989, MONDO:0013390, OMIM 613723.
Epidermolysis bullosa simplex, Ogna type (EBS5A). Also called: Pidermolysis bullosa simplex 5A, Ogna type; EPIDERMOLYSIS BULLOSA SIMPLEX 5A, OGNA TYPE. Identifiers: Orphanet 79401, MedGen C0432317, MONDO:0007555, OMIM 131950.
Epidermolysis bullosa simplex with nail dystrophy (EBS5D). Identifiers: MedGen C4225309, MONDO:0014661, OMIM 616487.
Epidermolysis bullosa simplex 5C, with pyloric atresia (EBS5C). Also called: PLEC-Related Epidermolysis Bullosa with Pyloric Atresia; Epidermolysis bullosa simplex with pyloric atresia; PLEC1-Related Epidermolysis Bullosa with Pyloric Atresia. Identifiers: Orphanet 158684, MedGen C2677349, MONDO:0012807, OMIM 612138.

Allele frequency attached by ClinVar (database versions not stated): gnomAD exomes 0.00010 and 0.00025; ExAC 0.00038; ESP Exome Variant Server 0.00099; gnomAD 0.00108 and 0.00110; TOPMed 0.00116; 1000 Genomes Project 0.00180; 1000 Genomes Project 30x 0.00187.
gnomAD v4.1: 310 of 1,612,646 alleles (0.019%); highest among the groups gnomAD compares: African/African-American, 0.38%; 1 homozygote.

Submissions (5):

Labcorp Genetics (formerly Invitae), Labcorp
Classification: Likely benign for Autosomal recessive limb-girdle muscular dystrophy type 2Q; Epidermolysis bullosa simplex, Ogna type; Epidermolysis bullosa simplex with nail dystrophy; Epidermolysis bullosa simplex 5C, with pyloric atresia; Epidermolysis bullosa simplex 5B, with muscular dystrophy. Last evaluated: 2026-01-13. Review status: criteria provided, single submitter. Criteria: Invitae Variant Classification Sherloc (09022015). Collection method: clinical testing. Allele origin: germline.

Mayo Clinic Laboratories, Mayo Clinic
Classification: Likely benign. Last evaluated: 2025-01-21. Review status: criteria provided, single submitter. Criteria: ACMG Guidelines, 2015. Collection method: clinical testing. Allele origin: germline. Observed: 1 variant allele.
Comment: BS1, BP4

Blueprint Genetics
Classification: Likely benign. Last evaluated: 2024-05-02. Review status: criteria provided, single submitter. Criteria: ACMG Guidelines, 2015. Collection method: clinical testing. Allele origin: germline.

GeneDx
Classification: Likely benign. Last evaluated: 2019-12-26. Review status: criteria provided, single submitter. Criteria: GeneDx Variant Classification Process June 2021. Collection method: clinical testing. Allele origin: germline. Affected: yes.

Eurofins Ntd Llc (ga)
Classification: Likely benign. Last evaluated: 2017-01-06. Review status: criteria provided, single submitter. Criteria: EGL Classification Definitions 2015. Collection method: clinical testing. Allele origin: germline. Observed: 1 variant allele, 1 heterozygote.